The following is an entry in ClinVar:

ClinVar aggregate classification (germline): Likely benign. Review status: criteria provided, multiple submitters, no conflicts (2 of 4 stars). 4 submissions from 4 submitters: Likely benign (4). Last evaluated 2026-04-24.

Conditions:
Inborn genetic diseases. Identifiers: MedGen C0950123, MeSH D030342.
SCN11A-related disorder. Also called: SCN11A-related condition.
Hereditary sensory and autonomic neuropathy type 7. Also called: Neuropathy, hereditary sensory and autonomic, type VII; HSAN VII. Identifiers: Orphanet 391397, MedGen C3809882, MONDO:0014244, OMIM 615548.
Familial episodic pain syndrome with predominantly lower limb involvement. Also called: Episodic pain syndrome, familial, 3. Identifiers: Orphanet 391384, Orphanet 391392, MedGen C3809899, MONDO:0014247, OMIM 615552.

Allele frequency attached by ClinVar (database versions not stated): gnomAD 0.00006 and 0.00008; ExAC 0.00007; gnomAD exomes 0.00007 and 0.00008; ESP Exome Variant Server 0.00015; TOPMed 0.00015.
gnomAD v4.1: 119 of 1,613,988 alleles (0.0074%); highest among the groups gnomAD compares: Middle Eastern, 0.066%; no homozygotes.

Submissions (4):

PreventionGenetics, part of Exact Sciences
Classification: Likely benign for SCN11A-related condition. Last evaluated: 2026-04-24. Review status: criteria provided, single submitter. Criteria: ACMG Guidelines, 2015. Collection method: clinical testing. Allele origin: germline.
Comment: This variant is classified as likely benign based on ACMG/AMP sequence variant interpretation guidelines (Richards et al. 2015 PMID: 25741868, with internal and published modifications).

Labcorp Genetics (formerly Invitae), Labcorp
Classification: Likely benign for Familial episodic pain syndrome with predominantly lower limb involvement; Hereditary sensory and autonomic neuropathy type 7. Last evaluated: 2025-09-23. Review status: criteria provided, single submitter. Criteria: Invitae Variant Classification Sherloc (09022015). Collection method: clinical testing. Allele origin: germline.

Mayo Clinic Laboratories, Mayo Clinic
Classification: Likely benign. Last evaluated: 2024-10-07. Review status: criteria provided, single submitter. Criteria: ACMG Guidelines, 2015. Collection method: clinical testing. Allele origin: germline. Observed: 2 variant alleles.
Comment: BS2, BP4

Ambry Genetics
Classification: Likely benign for Inborn genetic diseases. Last evaluated: 2019-10-16. Review status: criteria provided, single submitter. Criteria: Ambry Variant Classification Scheme 2023. Collection method: clinical testing. Allele origin: germline.

Literature cited by the submitters: PubMed 30623267 (cited by Mayo Clinic Laboratories, Mayo Clinic); PubMed 32601768 (cited by Mayo Clinic Laboratories, Mayo Clinic); PubMed 34426522 (cited by Mayo Clinic Laboratories, Mayo Clinic); PubMed 35524925 (cited by Mayo Clinic Laboratories, Mayo Clinic); PubMed 37186898 (cited by Mayo Clinic Laboratories, Mayo Clinic).

NM_001349253.2(SCN11A):c.2458A>T (p.Asn820Tyr)

Gene: SCN11A (sodium voltage-gated channel alpha subunit 11; minus strand). Cytogenetic location: 3p22.2.
Variant type: single nucleotide variant.
Coding change: c.2458A>T on transcript NM_001349253.2 (MANE Select); coding-DNA position 2458, A replaced by T.
Protein change: p.Asn820Tyr; replaces asparagine 820 with tyrosine.
Molecular consequence: missense variant.
Genome position (GRCh38, 1-based): chr3:38,894,910, T>A on the plus strand (A>T on the coding strand, the complement: SCN11A is on the minus strand). VCF-style: chr3-38894910-T-A. GRCh37 (hg19) VCF-style: chr3-38936401-T-A.
Other names: p.Asn820Tyr; c.2458A>T, p.Asn820Tyr (NM_014139.3); short protein forms N820Y.
Identifiers: ClinVar variation 541568 (VCV000541568.15), dbSNP rs148401428, ClinGen allele CA2322033.
Genomic context (GRCh38, chr3:38,894,910, plus strand): 5'-GGAATCGATCCAGTGCTAACTGGACTTTAGTTTTCCTGGCCTCTCCTTCTAAGTTTCCAT[T>A]TCTTTCCTCATTGCTAAAGGAATTGAGCAGTAAGGCAATGAAGAGGTTGAGCACCTGGGA-3'
Protein context (NP_001336182.1, residues 810-830): LLNSFSNEER[Asn820Tyr]GNLEGEARKT